The following is an entry in ClinVar:

NM_174936.4(PCSK9):c.925G>T (p.Val309Phe)

Gene: PCSK9 (proprotein convertase subtilisin/kexin type 9; plus strand). Cytogenetic location: 1p32.3.
Variant type: single nucleotide variant.
Coding change: c.925G>T on transcript NM_174936.4 (MANE Select); coding-DNA position 925, G replaced by T.
Protein change: p.Val309Phe; replaces valine 309 with phenylalanine.
Molecular consequence: missense variant. On other transcripts: non-coding transcript variant (8).
Genome position (GRCh38, 1-based): chr1:55,056,118, G>T. VCF-style: chr1-55056118-G-T. GRCh37 (hg19) VCF-style: chr1-55521791-G-T.
Other names: c.1048G>T, p.Val350Phe (NM_001407240.1); c.925G>T, p.Val309Phe (NM_001407241.1, NM_001407244.1, NM_001407247.1); c.928G>T, p.Val310Phe (NM_001407242.1); c.868G>T, p.Val290Phe (NM_001407243.1); c.733G>T, p.Val245Phe (NM_001407245.1); c.550G>T, p.Val184Phe (NM_001407246.1); short protein forms V184F, V245F, V290F, V309F, V310F, V350F.
Identifiers: ClinVar variation 3229300 (VCV003229300.1), dbSNP rs2523244836, ClinGen allele CA340474913.
Genomic context (GRCh38, chr1:55,056,118, plus strand): 5'-CTGGCGGGTGGGTACAGCCGCGTCCTCAACGCCGCCTGCCAGCGCCTGGCGAGGGCTGGG[G>T]TCGTGCTGGTCACCGCTGCCGGCAACTTCCGGGACGATGCCTGCCTCTACTCCCCAGCCT-3'
Protein context (NP_777596.2, residues 299-319): AACQRLARAG[Val309Phe]VLVTAAGNFR

ClinVar aggregate classification (germline): Uncertain significance (1 of 4 stars; one submission).

Conditions:
Cardiovascular phenotype. Identifiers: MedGen CN230736.

Allele frequency attached by ClinVar (database versions not stated): gnomAD exomes below 0.00001.
gnomAD v4.1: 1 of 1,579,052 alleles (0.000063%); highest among the groups gnomAD compares: Non-Finnish European, 0.000086%; no homozygotes.

Submission:

Ambry Genetics
Classification: Uncertain significance for Cardiovascular phenotype. Last evaluated: 2024-01-31. Review status: criteria provided, single submitter. Criteria: Ambry Variant Classification Scheme 2023. Collection method: clinical testing. Allele origin: germline.
Comment: The p.V309F variant (also known as c.925G>T), located in coding exon 6 of the PCSK9 gene, results from a G to T substitution at nucleotide position 925. The valine at codon 309 is replaced by phenylalanine, an amino acid with highly similar properties. This amino acid position is conserved. In addition, the in silico prediction for this alteration is inconclusive. Based on the available evidence, the clinical significance of this alteration remains unclear.